The following is an entry in ClinVar:

NM_000232.5(SGCB):c.430-2A>G

Gene: SGCB (sarcoglycan beta; minus strand). Cytogenetic location: 4q12.
Variant type: single nucleotide variant.
Coding change: c.430-2A>G on transcript NM_000232.5 (MANE Select); the canonical splice acceptor site of the intron before coding-DNA position 430, A replaced by G.
Molecular consequence: splice acceptor variant.
Genome position (GRCh38, 1-based): chr4:52,028,923, T>C on the plus strand (A>G on the coding strand, the complement: SGCB is on the minus strand). VCF-style: chr4-52028923-T-C. GRCh37 (hg19) VCF-style: chr4-52895089-T-C.
Identifiers: ClinVar variation 2678682 (VCV002678682.5), dbSNP rs2475222188, ClinGen allele CA356877111.

ClinVar aggregate classification (germline): Likely pathogenic. Review status: criteria provided, multiple submitters, no conflicts (2 of 4 stars). 3 submissions from 3 submitters: Likely pathogenic (3). Last evaluated 2024-01-05.

Conditions:
Autosomal recessive limb-girdle muscular dystrophy type 2E (LGMDR4). Also called: MUSCULAR DYSTROPHY, LIMB-GIRDLE, AUTOSOMAL RECESSIVE 4. Identifiers: Orphanet 119, MedGen C1858593, MONDO:0011423, OMIM 604286. Disease mechanism: Affects gamma-sarcoglycan and also disrupts the integrity of the entire sarcoglycan complex..
SGCB-related disorder. Also called: SGCB-related condition.

Submissions (3):

Blueprint Genetics
Classification: Likely pathogenic for SGCB-related disorders. Last evaluated: 2024-01-05. Review status: criteria provided, single submitter. Criteria: ACMG Guidelines, 2015. Collection method: clinical testing. Allele origin: germline. Affected: yes. Observed: 1 variant allele.

Baylor Genetics
Classification: Likely pathogenic for Autosomal recessive limb-girdle muscular dystrophy type 2E. Last evaluated: 2023-09-28. Review status: criteria provided, single submitter. Criteria: ACMG Guidelines, 2015. Collection method: clinical testing. Allele origin: unknown.

Labcorp Genetics (formerly Invitae), Labcorp
Classification: Likely pathogenic for Autosomal recessive limb-girdle muscular dystrophy type 2E. Last evaluated: 2022-11-09. Review status: criteria provided, single submitter. Criteria: Invitae Variant Classification Sherloc (09022015). Collection method: clinical testing. Allele origin: germline.
Comment: In summary, the currently available evidence indicates that the variant is pathogenic, but additional data are needed to prove that conclusively. Therefore, this variant has been classified as Likely Pathogenic. Algorithms developed to predict the effect of sequence changes on RNA splicing suggest that this variant may disrupt the consensus splice site. This variant has not been reported in the literature in individuals affected with SGCB-related conditions. This variant is not present in population databases (gnomAD no frequency). This sequence change affects an acceptor splice site in intron 3 of the SGCB gene. It is expected to disrupt RNA splicing. Variants that disrupt the donor or acceptor splice site typically lead to a loss of protein function (PMID: 16199547), and loss-of-function variants in SGCB are known to be pathogenic (PMID: 15938573, 18285821).

Literature cited by the submitters: PubMed 16199547 (cited by Labcorp Genetics (formerly Invitae), Labcorp); PubMed 15938573 (cited by Labcorp Genetics (formerly Invitae), Labcorp); PubMed 18285821 (cited by Labcorp Genetics (formerly Invitae), Labcorp).